The following is an entry in ClinVar:

ClinVar aggregate classification (germline): Pathogenic (1 of 4 stars; one submission).

Conditions:
Perlman syndrome (PRLMNS). Identifiers: Orphanet 2849, MedGen C0796113, MONDO:0009965, OMIM 267000.

Submission:

Labcorp Genetics (formerly Invitae), Labcorp
Classification: Pathogenic for Perlman syndrome. Last evaluated: 2022-12-24. Review status: criteria provided, single submitter. Criteria: Invitae Variant Classification Sherloc (09022015). Collection method: clinical testing. Allele origin: germline.
Comment: For these reasons, this variant has been classified as Pathogenic. Experimental studies have shown that a similar copy number variant affects DIS3L2 function (PMID: 22306653). Algorithms developed to predict the effect of variants on protein structure and function are not available or were not evaluated for this variant. A similar copy number variant has been observed in individual(s) with Perlman syndrome (PMID: 22306653). This variant is a gross deletion of the genomic region encompassing exon(s) 6 of the DIS3L2 gene. This deletion is out-of-frame, and is expected to create a premature termination codon and result in an absent or disrupted protein product. Loss-of-function variants in DIS3L2 are known to be pathogenic (PMID: 22306653, 28328139).

Literature cited by the submitters: PubMed 22306653; PubMed 28328139.

NC_000002.11:g.(?_232952187)_(232952441_?)del

Gene: DIS3L2 (DIS3 like 3'-5' exoribonuclease 2; plus strand). Cytogenetic location: 2q37.1.
Variant type: Deletion.
Identifiers: ClinVar variation 1457090 (VCV001457090.4).